The following is an entry in ClinVar:

NM_001278716.2(FBXL4):c.776T>C (p.Met259Thr)

Gene: FBXL4 (F-box and leucine rich repeat protein 4; minus strand). Cytogenetic location: 6q16.2.
Variant type: single nucleotide variant.
Coding change: c.776T>C on transcript NM_001278716.2 (MANE Select); coding-DNA position 776, T replaced by C.
Protein change: p.Met259Thr; replaces methionine 259 with threonine.
Molecular consequence: missense variant.
Genome position (GRCh38, 1-based): chr6:98,917,456, A>G on the plus strand (T>C on the coding strand, the complement: FBXL4 is on the minus strand). VCF-style: chr6-98917456-A-G. GRCh37 (hg19) VCF-style: chr6-99365332-A-G.
Other names: c.776T>C, p.Met259Thr (NM_012160.5); short protein forms M259T.
Identifiers: ClinVar variation 437635 (VCV000437635.5), dbSNP rs376909719, ClinGen allele CA3933617.

ClinVar aggregate classification (germline): Uncertain significance. Review status: criteria provided, multiple submitters, no conflicts (2 of 4 stars). 3 submissions from 3 submitters: Uncertain significance (3). Last evaluated 2022-06-08.

Conditions:
Mitochondrial DNA depletion syndrome 13. Also called: FBXL4-Related Encephalomyopathic Mitochondrial DNA Depletion Syndrome; Mitochondrial DNA depletion syndrome 13 (encephalomyopathic type). Identifiers: Orphanet 369897, MedGen C3809592, MONDO:0014198, OMIM 615471.

Allele frequency attached by ClinVar (database versions not stated): gnomAD 0.00001; gnomAD exomes 0.00001; ExAC 0.00002; TOPMed 0.00005; ESP Exome Variant Server 0.00008.
gnomAD v4.1: 15 of 1,613,962 alleles (0.00093%); highest among the groups gnomAD compares: African/African-American, 0.0053%; no homozygotes.

Submissions (3):

Revvity Omics, Revvity
Classification: Uncertain significance for Mitochondrial DNA depletion syndrome 13. Last evaluated: 2022-06-08. Review status: criteria provided, single submitter. Criteria: ACMG Guidelines, 2015. Collection method: clinical testing. Allele origin: germline.

Labcorp Genetics (formerly Invitae), Labcorp
Classification: Uncertain significance. Last evaluated: 2022-03-19. Review status: criteria provided, single submitter. Criteria: Invitae Variant Classification Sherloc (09022015). Collection method: clinical testing. Allele origin: germline.
Comment: This sequence change replaces methionine, which is neutral and non-polar, with threonine, which is neutral and polar, at codon 259 of the FBXL4 protein (p.Met259Thr). This variant is present in population databases (rs376909719, gnomAD 0.02%). This variant has not been reported in the literature in individuals affected with FBXL4-related conditions. ClinVar contains an entry for this variant (Variation ID: 437635). Algorithms developed to predict the effect of missense changes on protein structure and function (SIFT, PolyPhen-2, Align-GVGD) all suggest that this variant is likely to be tolerated. In summary, the available evidence is currently insufficient to determine the role of this variant in disease. Therefore, it has been classified as a Variant of Uncertain Significance.

Wong Mito Lab, Molecular and Human Genetics, Baylor College of Medicine
Classification: Uncertain significance for Mitochondrial DNA depletion syndrome 13. Last evaluated: 2017-08-10. Review status: criteria provided, single submitter. Criteria: ACMG Guidelines, 2015. Collection method: reference population. Allele origin: germline.
Comment: The NM_012160.4:c.776T>C (NP_036292.2:p.Met259Thr) [GRCH38: NC_000006.12:g.98917456A>G] variant in FBXL4 gene is interpretated to be a Uncertain Significance - Conflicting Evidence based on ACMG guidelines (PMID: 25741868). This variant meets one or more of the following evidence codes reported in the ACMG-guideline. PM2:This variant is absent in key population databases. BP4:Computational evidence/predictors indicate no impact on the FBXL4 structure, function, or protein-protein interaction. Based on this evidence code ClinGen Pathogenicity Calculator (PMID:28081714) suggested that the variant is Uncertain Significance - Conflicting Evidence.